The following is an entry in ClinVar:

NM_024589.3(ROGDI):c.433-6C>G

Gene: ROGDI (rogdi atypical leucine zipper; minus strand). Cytogenetic location: 16p13.3.
Variant type: single nucleotide variant.
Coding change: c.433-6C>G on transcript NM_024589.3 (MANE Select); 6 bases into the intron before coding-DNA position 433, C replaced by G.
Molecular consequence: intron variant.
Genome position (GRCh38, 1-based): chr16:4,798,673, G>C on the plus strand (C>G on the coding strand, the complement: ROGDI is on the minus strand). VCF-style: chr16-4798673-G-C. GRCh37 (hg19) VCF-style: chr16-4848674-G-C.
Identifiers: ClinVar variation 1469263 (VCV001469263.6), dbSNP rs1892013977, ClinGen allele CA2203529538.

ClinVar aggregate classification (germline): Uncertain significance (1 of 4 stars; one submission).

Conditions:
Amelocerebrohypohidrotic syndrome (KTZS). Also called: KOHLSCHUTTER SYNDROME; Kohlschutter's syndrome; EPILEPSY AND YELLOW TEETH; EPILEPSY, DEMENTIA, AND AMELOGENESIS IMPERFECTA. Identifiers: Orphanet 1946, MedGen C0406740, MONDO:0009185, OMIM 226750.

Submission:

Labcorp Genetics (formerly Invitae), Labcorp
Classification: Uncertain significance for Amelocerebrohypohidrotic syndrome. Last evaluated: 2021-09-21. Review status: criteria provided, single submitter. Criteria: Invitae Variant Classification Sherloc (09022015). Collection method: clinical testing. Allele origin: germline.
Comment: This sequence change falls in intron 6 of the ROGDI gene. It does not directly change the encoded amino acid sequence of the ROGDI protein. This variant is not present in population databases (ExAC no frequency). This variant has not been reported in the literature in individuals affected with ROGDI-related conditions. Algorithms developed to predict the effect of sequence changes on RNA splicing suggest that this variant may disrupt the consensus splice site. In summary, the available evidence is currently insufficient to determine the role of this variant in disease. Therefore, it has been classified as a Variant of Uncertain Significance.